The following is an entry in ClinVar:

ClinVar aggregate classification (germline): Conflicting classifications of pathogenicity. Review status: criteria provided, conflicting classifications (1 of 4 stars). 2 submissions from 2 submitters: Uncertain significance (1); Likely benign (1). Last evaluated 2025-08-07.

Conditions:
Inborn genetic diseases. Identifiers: MedGen C0950123, MeSH D030342.

Allele frequency attached by ClinVar (database versions not stated): gnomAD 0.00001; gnomAD exomes 0.00001; TOPMed 0.00002.
gnomAD v4.1: 11 of 1,550,944 alleles (0.00071%); highest among the groups gnomAD compares: East Asian, 0.0049%; no homozygotes.

Submissions (2):

Ambry Genetics
Classification: Uncertain significance for Inborn genetic diseases. Last evaluated: 2025-08-07. Review status: criteria provided, single submitter. Criteria: Ambry Variant Classification Scheme 2023. Collection method: clinical testing. Allele origin: germline.

Laboratory for Molecular Medicine, Mass General Brigham Personalized Medicine
Classification: Likely benign. Last evaluated: 2015-08-24. Review status: criteria provided, single submitter. Criteria: LMM Criteria. Collection method: clinical testing. Allele origin: germline. Observed: 1 variant allele.
Comment: p.Thr63Met in exon 5 of LRTOMT: This variant is not expected to have clinical s ignificance due to a lack of conservation across species, including mammals. Of note, 10 mammals have a methionine (Met) at this position despite high nearby am ino acid conservation. In addition, computational prediction tools do not sugges t a high likelihood of impact to the protein.

NM_001145308.5(LRTOMT):c.188C>T (p.Thr63Met)

Genes: LRTOMT (leucine rich transmembrane and O-methyltransferase domain containing; plus strand), TOMT (transmembrane O-methyltransferase; plus strand). Cytogenetic location: 11q13.4.
Variant type: single nucleotide variant.
Coding change: c.188C>T on transcript NM_001145308.5; coding-DNA position 188, C replaced by T.
Protein change: p.Thr63Met; replaces threonine 63 with methionine.
Molecular consequence: missense variant. On other transcripts: intron variant (1).
Genome position (GRCh38, 1-based): chr11:72,106,040, C>T. VCF-style: chr11-72106040-C-T. GRCh37 (hg19) VCF-style: chr11-71817086-C-T.
Other names: c.89C>T, p.Thr30Met (NM_001393500.2); c.188C>T, p.Thr63Met (NM_001145309.4); c.84-16C>T (NM_001145310.4); c.188C>T (NM_001145308.2); short protein forms T63M, T30M.
Identifiers: ClinVar variation 227534 (VCV000227534.5), dbSNP rs876657502, ClinGen allele CA10576898.